The following is an entry in ClinVar:

ClinVar aggregate classification (germline): Pathogenic (1 of 4 stars; one submission).

Submission:

Labcorp Genetics (formerly Invitae), Labcorp
Classification: Pathogenic. Last evaluated: 2023-07-25. Review status: criteria provided, single submitter. Criteria: Invitae Variant Classification Sherloc (09022015). Collection method: clinical testing. Allele origin: unknown.
Comment: For these reasons, this variant has been classified as Pathogenic. The region of the FAM161A gene that includes exon(s) 5-6 has been determined to be clinically significant (Invitae). Therefore, deletions that encompass that region are likely to be disease-causing. This variant has not been reported in the literature in individuals affected with FAM161A-related conditions. This variant is a gross deletion of the genomic region encompassing exon(s) 3-7 of the FAM161A gene, which includes the termination codon. This deletion extends beyond the assayed region for this gene and therefore may encompass additional genes. While this deletion is not anticipated to lead to nonsense mediated decay, it is expected to alter mRNA translation or result in a truncated protein product.

NC_000002.11:g.(?_62053590)_(62067736_?)del

Gene: FAM161A (FAM161 centrosomal protein A; minus strand). Cytogenetic location: 2p15.
Variant type: Deletion.
Identifiers: ClinVar variation 3247485 (VCV003247485.1).